The following is an entry in ClinVar:

NM_152564.5(VPS13B):c.2965C>A (p.Pro989Thr)

Gene: VPS13B (vacuolar protein sorting 13 homolog B; plus strand). Cytogenetic location: 8q22.2.
Variant type: single nucleotide variant.
Coding change: c.2965C>A on transcript NM_152564.5 (MANE Select); coding-DNA position 2965, C replaced by A.
Protein change: p.Pro989Thr; replaces proline 989 with threonine.
Molecular consequence: missense variant.
Genome position (GRCh38, 1-based): chr8:99,391,587, C>A. VCF-style: chr8-99391587-C-A. GRCh37 (hg19) VCF-style: chr8-100403815-C-A.
Other names: c.2965C>A, p.Pro989Thr (NM_017890.5); short protein forms P989T.
Identifiers: ClinVar variation 2174494 (VCV002174494.3), dbSNP rs2489875068, ClinGen allele CA371865629.

ClinVar aggregate classification (germline): Uncertain significance (1 of 4 stars; one submission).

Conditions:
Cohen syndrome (COH1). Also called: PEPPER SYNDROME; Cutis verticis gyrata, retinitis pigmentosa, and sensorineural deafness. Identifiers: Orphanet 193, MedGen C0265223, MONDO:0008999, OMIM 216550.

Allele frequency attached by ClinVar (database versions not stated): gnomAD exomes below 0.00001.
gnomAD v4.1: 2 of 1,614,108 alleles (0.00012%); highest among the groups gnomAD compares: Non-Finnish European, 0.00017%; no homozygotes.

Submission:

Labcorp Genetics (formerly Invitae), Labcorp
Classification: Uncertain significance for Cohen syndrome. Last evaluated: 2024-10-22. Review status: criteria provided, single submitter. Criteria: Invitae Variant Classification Sherloc (09022015). Collection method: clinical testing. Allele origin: germline.
Comment: This sequence change replaces proline, which is neutral and non-polar, with threonine, which is neutral and polar, at codon 989 of the VPS13B protein (p.Pro989Thr). This variant is not present in population databases (gnomAD no frequency). This variant has not been reported in the literature in individuals affected with VPS13B-related conditions. ClinVar contains an entry for this variant (Variation ID: 2174494). Invitae Evidence Modeling of protein sequence and biophysical properties (such as structural, functional, and spatial information, amino acid conservation, physicochemical variation, residue mobility, and thermodynamic stability) has been performed for this missense variant. However, the output from this modeling did not meet the statistical confidence thresholds required to predict the impact of this variant on VPS13B protein function. In summary, the available evidence is currently insufficient to determine the role of this variant in disease. Therefore, it has been classified as a Variant of Uncertain Significance.